The following is an entry in ClinVar:

ClinVar aggregate classification (germline): Pathogenic (1 of 4 stars; one submission).

Conditions:
Severe combined immunodeficiency, autosomal recessive, T cell-negative, B cell-negative, NK cell-negative, due to adenosine deaminase deficiency. Also called: ADA-SCID; SCID DUE TO ADA DEFICIENCY; SCID DUE TO ADA DEFICIENCY, EARLY-ONSET; ADA deficiency; Adenosine deaminase deficient severe combined immunodeficiency; Severe combined immunodeficiency due to ADA deficiency. Identifiers: Orphanet 277, MedGen C0392607, MONDO:0007064, OMIM 102700.

Submission:

Myriad Genetics, Inc.
Classification: Pathogenic for Severe combined immunodeficiency, autosomal recessive, T cell-negative, B cell-negative, NK cell-negative, due to adenosine deaminase deficiency. Last evaluated: 2023-10-03. Review status: criteria provided, single submitter. Criteria: Myriad Autosomal Dominant, Autosomal Recessive and X-Linked Classification Criteria (2023). Collection method: clinical testing. Allele origin: unknown.
Comment: NM_000022.2(ADA):c.807delT(G270Vfs*41) is expected to be pathogenic in the context of adenosine deaminase deficiency. This variant is predicted to lead to an abnormal or absent protein product due to the creation of a premature termination codon in ADA, a gene where loss-of-function variants are known to be pathogenic. Please note: this variant was assessed in the context of healthy population screening.

NM_000022.4(ADA):c.807del (p.Gly270fs)

Gene: ADA (adenosine deaminase; minus strand). Cytogenetic location: 20q13.12.
Variant type: Deletion.
Coding change: c.807del on transcript NM_000022.4 (MANE Select); coding-DNA position 807, one base deleted (T; older notation c.807delT).
Protein change: p.Gly270fs; shifts the reading frame from glycine 270.
Molecular consequence: frameshift variant.
Genome position (GRCh38, 1-based): chr20:44,622,626, A deleted on the plus strand (T on the coding strand, the reverse complement: ADA is on the minus strand). VCF-style (leftmost placement, unchanged base first): chr20-44622625-CA-C. GRCh37 (hg19) VCF-style: chr20-43251266-CA-C.
Other names: c.402del, p.Gly135fs (NM_001322050.2); c.735del, p.Gly246fs (NM_001322051.2); short protein forms G135fs, G246fs, G270fs.
Identifiers: ClinVar variation 5012354 (VCV005012354.1).